The following is an entry in ClinVar:

ClinVar aggregate classification (germline): Uncertain significance. Review status: criteria provided, multiple submitters, no conflicts (2 of 4 stars). 2 submissions from 2 submitters: Uncertain significance (2). Last evaluated 2025-09-10.

Conditions:
Primary ciliary dyskinesia 23 (CILD23). Also called: CILIARY DYSKINESIA, PRIMARY, 23, WITH OR WITHOUT SITUS INVERSUS. Identifiers: Orphanet 244, MedGen C3809548, MONDO:0014193, OMIM 615451.
Primary ciliary dyskinesia. Also called: Ciliary dyskinesia. Identifiers: Orphanet 244, MedGen C0008780, MONDO:0016575, HP:0012265.

Allele frequency attached by ClinVar (database versions not stated): gnomAD 0.00001; TOPMed 0.00002; ExAC 0.00004; gnomAD exomes 0.00004.
gnomAD v4.1: 67 of 1,613,854 alleles (0.0042%); highest among the groups gnomAD compares: Middle Eastern, 0.016%; no homozygotes.

Submissions (2):

Ambry Genetics
Classification: Uncertain significance for Primary ciliary dyskinesia. Last evaluated: 2025-09-10. Review status: criteria provided, single submitter. Criteria: Ambry Variant Classification Scheme 2023. Collection method: clinical testing. Allele origin: germline.

Labcorp Genetics (formerly Invitae), Labcorp
Classification: Uncertain significance for Primary ciliary dyskinesia 23. Last evaluated: 2022-07-23. Review status: criteria provided, single submitter. Criteria: Invitae Variant Classification Sherloc (09022015). Collection method: clinical testing. Allele origin: germline.
Comment: This sequence change replaces alanine, which is neutral and non-polar, with threonine, which is neutral and polar, at codon 560 of the ARMC4 protein (p.Ala560Thr). This variant is present in population databases (rs773935799, gnomAD 0.01%). This variant has not been reported in the literature in individuals affected with ARMC4-related conditions. Algorithms developed to predict the effect of missense changes on protein structure and function are either unavailable or do not agree on the potential impact of this missense change (SIFT: "Deleterious"; PolyPhen-2: "Probably Damaging"; Align-GVGD: "Class C0"). In summary, the available evidence is currently insufficient to determine the role of this variant in disease. Therefore, it has been classified as a Variant of Uncertain Significance.

NM_018076.5(ODAD2):c.1678G>A (p.Ala560Thr)

Gene: ODAD2 (outer dynein arm docking complex subunit 2; minus strand). Cytogenetic location: 10p12.1.
Variant type: single nucleotide variant.
Coding change: c.1678G>A on transcript NM_018076.5 (MANE Select); coding-DNA position 1678, G replaced by A.
Protein change: p.Ala560Thr; replaces alanine 560 with threonine.
Molecular consequence: missense variant.
Genome position (GRCh38, 1-based): chr10:27,944,287, C>T on the plus strand (G>A on the coding strand, the complement: ODAD2 is on the minus strand). VCF-style: chr10-27944287-C-T. GRCh37 (hg19) VCF-style: chr10-28233216-C-T.
Other names: c.1678G>A, p.Ala560Thr (NM_001290020.2); c.253G>A, p.Ala85Thr (NM_001290021.2); c.754G>A, p.Ala252Thr (NM_001312689.2); short protein forms A252T, A560T, A85T.
Identifiers: ClinVar variation 1972743 (VCV001972743.4), dbSNP rs773935799, ClinGen allele CA5453458.
Genomic context (GRCh38, chr10:27,944,287, plus strand): 5'-TGGTGATACCCCCGTGCTGCCTCACCACCCGCCGTGCTCTTTTAAACTTGGCAACATTCG[C>T]GATAGTCTCGGCTGCCAAACATTTTAGACTCTTGTGTGGAGAATCAAGTATATTCACCAT-3'
Protein context (NP_060546.2, residues 550-570): SLKCLAAETI[Ala560Thr]NVAKFKRARR